The following is an entry in ClinVar:

NM_001042492.3(NF1):c.6776T>A (p.Val2259Glu)

Gene: NF1 (neurofibromin 1; plus strand). Cytogenetic location: 17q11.2.
Variant type: single nucleotide variant.
Coding change: c.6776T>A on transcript NM_001042492.3 (MANE Select); coding-DNA position 6776, T replaced by A.
Protein change: p.Val2259Glu; replaces valine 2259 with glutamic acid.
Molecular consequence: missense variant.
Genome position (GRCh38, 1-based): chr17:31,338,096, T>A. VCF-style: chr17-31338096-T-A. GRCh37 (hg19) VCF-style: chr17-29665114-T-A.
Other names: c.6713T>A, p.Val2238Glu (NM_000267.4); short protein forms V2238E, V2259E.
Identifiers: ClinVar variation 3404726 (VCV003404726.1).

ClinVar aggregate classification (germline): Uncertain significance (1 of 4 stars; one submission).

Conditions:
Hereditary cancer-predisposing syndrome. Also called: Hereditary Cancer Syndrome; Tumor predisposition; Hereditary neoplastic syndrome; Neoplastic Syndromes, Hereditary. Identifiers: Orphanet 140162, MedGen C0027672, MeSH D009386, MONDO:0015356.
Cardiovascular phenotype. Identifiers: MedGen CN230736.

Submission:

Ambry Genetics
Classification: Uncertain significance for Cardiovascular phenotype; Hereditary cancer-predisposing syndrome. Last evaluated: 2024-08-27. Review status: criteria provided, single submitter. Criteria: Ambry Variant Classification Scheme 2023. Collection method: clinical testing. Allele origin: germline.
Comment: The p.V2238E variant (also known as c.6713T>A), located in coding exon 44 of the NF1 gene, results from a T to A substitution at nucleotide position 6713. The valine at codon 2238 is replaced by glutamic acid, an amino acid with dissimilar properties. This amino acid position is conserved. In addition, this alteration is predicted to be deleterious by in silico analysis. Based on the available evidence, the clinical significance of this variant remains unclear.